The following is an entry in ClinVar:

NM_001754.5(RUNX1):c.264G>A (p.Glu88=)

Gene: RUNX1 (RUNX family transcription factor 1; minus strand). Cytogenetic location: 21q22.12.
Variant type: single nucleotide variant.
Coding change: c.264G>A on transcript NM_001754.5 (MANE Select); coding-DNA position 264, G replaced by A.
Protein change: p.Glu88=; no amino-acid change (glutamic acid 88 retained).
Molecular consequence: synonymous variant.
Genome position (GRCh38, 1-based): chr21:34,886,930, C>T on the plus strand (G>A on the coding strand, the complement: RUNX1 is on the minus strand). VCF-style: chr21-34886930-C-T. GRCh37 (hg19) VCF-style: chr21-36259227-C-T.
Other names: NM_001754.5(RUNX1):c.264G>A; p.Glu88=; c.183G>A, p.Glu61= (NM_001001890.3, NM_001122607.2).
Identifiers: ClinVar variation 3791483 (VCV003791483.1).

ClinVar aggregate classification (germline): Likely benign. Review status: reviewed by expert panel (3 of 4 stars). 2 submissions from 2 submitters: Likely benign (1). 1 of the submissions does not count toward it. Last evaluated 2025-07-14.

Conditions:
Inborn genetic diseases. Identifiers: MedGen C0950123, MeSH D030342.
Hereditary thrombocytopenia and hematologic cancer predisposition syndrome. Identifiers: Orphanet 71290, MedGen CN281654, MONDO:0011071.

Submissions (2):

ClinGen Myeloid Malignancy Variant Curation Expert Panel
Classification: Likely benign for Hereditary thrombocytopenia and hematologic cancer predisposition syndrome. Last evaluated: 2025-07-14. Review status: reviewed by expert panel. Criteria: ClinGen MyeloMalig ACMG Specifications v2. Collection method: curation. Allele origin: germline. Inheritance: Autosomal dominant inheritance.
Comment: NM_001754.5(RUNX1):c.264G>A (p.Glu88=) is a synonymous variant which has a SpliceAI score ≤ 0.20 (0.01) (BP4). This variant has a SpliceAI score ≤ 0.20 (0.01) and evolutionary conservation prediction algorithms predict the site as not being conserved (PhyloP score ≤ 2.0 (1.06) (BP7). This variant is completely absent from all population databases with at least 20x coverage for RUNX1 (PM2_Supporting). In summary, this variant meets criteria to be classified as likely benign. ACMG/AMP criteria applied, as specified by the Myeloid Malignancy Variant Curation Expert Panel for RUNX1: BP4, BP7, PM2_supporting.

Ambry Genetics
Classification: Likely benign for Inborn genetic diseases. Last evaluated: 2025-01-20. Review status: criteria provided, single submitter. Criteria: Ambry Variant Classification Scheme 2023. Collection method: clinical testing. Allele origin: germline. Not counted in ClinVar's aggregate classification.